The following is an entry in ClinVar:

NM_000383.4(AIRE):c.1566+3A>G

Genes: AIRE (autoimmune regulator; plus strand), LOC130066813 (ATAC-STARR-seq lymphoblastoid silent region 13378; plus strand). Cytogenetic location: 21q22.3.
Variant type: single nucleotide variant.
Coding change: c.1566+3A>G on transcript NM_000383.4 (MANE Select); 3 bases into the intron after coding-DNA position 1566, A replaced by G.
Molecular consequence: intron variant.
Genome position (GRCh38, 1-based): chr21:44,296,448, A>G. VCF-style: chr21-44296448-A-G. GRCh37 (hg19) VCF-style: chr21-45716331-A-G.
Identifiers: ClinVar variation 4693773 (VCV004693773.1).

ClinVar aggregate classification (germline): Uncertain significance (1 of 4 stars; one submission).

Conditions:
Polyglandular autoimmune syndrome, type 1 (APS1). Also called: APS I; Whitaker syndrome; Autoimmune polyendocrinopathy syndrome , type I, with or without reversible metaphyseal dysplasia; HYPOADRENOCORTICISM WITH HYPOPARATHYROIDISM AND SUPERFICIAL MONILIASIS; Autoimmune polyendocrinopathy syndrome, type I; PGA I. Identifiers: Orphanet 3453, MedGen C0085859, MONDO:0009411, OMIM 240300.

Submission:

Labcorp Genetics (formerly Invitae), Labcorp
Classification: Uncertain significance for Polyglandular autoimmune syndrome, type 1. Last evaluated: 2025-03-10. Review status: criteria provided, single submitter. Criteria: Invitae Variant Classification Sherloc (09022015). Collection method: clinical testing. Allele origin: germline.
Comment: This sequence change falls in intron 13 of the AIRE gene. It does not directly change the encoded amino acid sequence of the AIRE protein. It affects a nucleotide within the consensus splice site. This variant is not present in population databases (gnomAD no frequency). This variant has not been reported in the literature in individuals affected with AIRE-related conditions. Variants that disrupt the consensus splice site are a relatively common cause of aberrant splicing (PMID: 17576681, 9536098). Algorithms developed to predict the effect of sequence changes on RNA splicing suggest that this variant may disrupt the consensus splice site. In summary, the available evidence is currently insufficient to determine the role of this variant in disease. Therefore, it has been classified as a Variant of Uncertain Significance.

Literature cited by the submitters: PubMed 17576681; PubMed 9536098.